The following is an entry in ClinVar:

ClinVar aggregate classification (germline): Pathogenic (1 of 4 stars; one submission).

Allele frequency attached by ClinVar (database versions not stated): gnomAD exomes below 0.00001.

Submission:

Labcorp Genetics (formerly Invitae), Labcorp
Classification: Pathogenic. Last evaluated: 2024-08-27. Review status: criteria provided, single submitter. Criteria: Invitae Variant Classification Sherloc (09022015). Collection method: clinical testing. Allele origin: germline.
Comment: This sequence change creates a premature translational stop signal (p.Ser469Profs*43) in the HPS5 gene. It is expected to result in an absent or disrupted protein product. Loss-of-function variants in HPS5 are known to be pathogenic (PMID: 12548288, 15296495, 21833017, 26785811). This variant is not present in population databases (gnomAD no frequency). This variant has not been reported in the literature in individuals affected with HPS5-related conditions. For these reasons, this variant has been classified as Pathogenic.

Literature cited by the submitters: PubMed 12548288; PubMed 15296495; PubMed 21833017; PubMed 26785811.

NM_181507.2(HPS5):c.1404del (p.Ser469fs)

Gene: HPS5 (HPS5 biogenesis of lysosomal organelles complex 2 subunit 2; minus strand). Cytogenetic location: 11p15.1.
Variant type: Deletion.
Coding change: c.1404del on transcript NM_181507.2 (MANE Select); coding-DNA position 1404, one base deleted (C; older notation c.1404delC).
Protein change: p.Ser469fs; shifts the reading frame from serine 469.
Molecular consequence: frameshift variant.
Genome position (GRCh38, 1-based): chr11:18,296,904, G deleted on the plus strand (C on the coding strand, the reverse complement: HPS5 is on the minus strand). VCF-style (leftmost placement, unchanged base first): chr11-18296903-AG-A. GRCh37 (hg19) VCF-style: chr11-18318450-AG-A.
Other names: c.1062del, p.Ser355fs (NM_007216.4); c.1062delC, p.Ser355Profs (NM_181508.2); short protein forms S355fs, S469fs.
Identifiers: ClinVar variation 3017071 (VCV003017071.3), dbSNP rs1861139106, ClinGen allele CA1955532842.